The following is an entry in ClinVar:

NM_007294.4(BRCA1):c.1300A>G (p.Ser434Gly)

Gene: BRCA1 (BRCA1 DNA repair associated; minus strand). Cytogenetic location: 17q21.31.
Variant type: single nucleotide variant.
Coding change: c.1300A>G on transcript NM_007294.4 (MANE Select); coding-DNA position 1300, A replaced by G.
Protein change: p.Ser434Gly; replaces serine 434 with glycine.
Molecular consequence: missense variant. On other transcripts: intron variant (137).
Genome position (GRCh38, 1-based): chr17:43,094,231, T>C on the plus strand (A>G on the coding strand, the complement: BRCA1 is on the minus strand). VCF-style: chr17-43094231-T-C. GRCh37 (hg19) VCF-style: chr17-41246248-T-C.
Other names: c.577+513A>G (NM_001408480.1, NM_001408492.1, NM_001408513.1 and 9 more transcripts); c.778+513A>G (NM_001408408.1); c.661+513A>G (NM_001408446.1, NM_001408435.1, NM_001408448.1 and 6 more transcripts); c.784+513A>G (NM_001408401.1, NM_001408396.1, NM_001407985.1 and 13 more transcripts); c.548-3199A>G (NM_001408494.1); c.664+513A>G (NM_001408444.1, NM_001408438.1, NM_001408430.1 and 12 more transcripts); c.670+1615A>G (NM_001408423.1, NM_001408420.1, NM_001408419.1 and 2 more transcripts); c.787+513A>G (NM_001408404.1, NM_001408472.1, NM_001407990.1 and 19 more transcripts); and 40 more; short protein forms S434G, S387G, S307G, S367G, S408G, S431G, S322G, S345G.
Identifiers: ClinVar variation 187465 (VCV000187465.14), dbSNP rs786203753, ClinGen allele CA000850.

ClinVar aggregate classification (germline): Conflicting classifications of pathogenicity. Review status: criteria provided, conflicting classifications (1 of 4 stars). 4 submissions from 4 submitters: Uncertain significance (2); Likely benign (2). Last evaluated 2023-03-23.

Conditions:
Hereditary breast ovarian cancer syndrome. Also called: Hereditary breast and ovarian cancer syndrome; Hereditary breast and ovarian cancer syndrome (HBOC); BRCA1- and BRCA2-Associated Hereditary Breast and Ovarian Cancer; Breast and ovarian cancer; Hereditary breast and ovarian cancer; Hereditary breast and/or ovarian cancer syndrome. Identifiers: Orphanet 145, MedGen C0677776, MeSH D061325, MONDO:0003582. Disease mechanism: loss of function.
Hereditary cancer-predisposing syndrome. Also called: Hereditary Cancer Syndrome; Hereditary neoplastic syndrome; Tumor predisposition; Neoplastic Syndromes, Hereditary. Identifiers: Orphanet 140162, MedGen C0027672, MeSH D009386, MONDO:0015356.
Breast-ovarian cancer, familial, susceptibility to, 1 (BROVCA1). Also called: OVARIAN CANCER, SUSCEPTIBILITY TO; BRCA1 Hereditary Breast and Ovarian Cancer. Identifiers: Orphanet 145, MedGen C2676676, MONDO:0011450, OMIM 604370. Disease mechanism: loss of function.

Submissions (4):

University of Washington Department of Laboratory Medicine, University of Washington
Classification: Likely benign for Hereditary cancer-predisposing syndrome. Last evaluated: 2023-03-23. Review status: criteria provided, single submitter. Criteria: Dines et al. (Genet Med. 2020). Collection method: curation. Allele origin: germline.
Comment: Missense variant in a coldspot region where missense variants are very unlikely to be pathogenic (PMID:31911673).

BRCA1 coldspot (exon 11 using historical exon numbering). Reclassification based on statistical prior probability

Myriad Genetics, Inc.
Classification: Likely benign for Breast-ovarian cancer, familial, susceptibility to, 1. Last evaluated: 2023-02-09. Review status: criteria provided, single submitter. Criteria: Myriad Autosomal Dominant, Autosomal Recessive and X-Linked Classification Criteria (2023). Collection method: clinical testing. Allele origin: unknown.
Comment: This variant is considered likely benign. This variant is strongly associated with less severe personal and family histories of cancer, typical for individuals without pathogenic variants in this gene [PMID: 25085752].

Labcorp Genetics (formerly Invitae), Labcorp
Classification: Uncertain significance for Hereditary breast ovarian cancer syndrome. Last evaluated: 2022-06-18. Review status: criteria provided, single submitter. Criteria: Invitae Variant Classification Sherloc (09022015). Collection method: clinical testing. Allele origin: germline.
Comment: In summary, the available evidence is currently insufficient to determine the role of this variant in disease. Therefore, it has been classified as a Variant of Uncertain Significance. Advanced modeling of protein sequence and biophysical properties (such as structural, functional, and spatial information, amino acid conservation, physicochemical variation, residue mobility, and thermodynamic stability) performed at Invitae indicates that this missense variant is not expected to disrupt BRCA1 protein function. ClinVar contains an entry for this variant (Variation ID: 187465). This variant has not been reported in the literature in individuals affected with BRCA1-related conditions. This variant is not present in population databases (gnomAD no frequency). This sequence change replaces serine, which is neutral and polar, with glycine, which is neutral and non-polar, at codon 434 of the BRCA1 protein (p.Ser434Gly).

Ambry Genetics
Classification: Uncertain significance for Hereditary cancer-predisposing syndrome. Last evaluated: 2016-08-23. Review status: criteria provided, single submitter. Criteria: Ambry Variant Classification Scheme 2023. Collection method: clinical testing. Allele origin: germline.
Comment: The p.S434G variant (also known as c.1300A>G), located in coding exon 9 of the BRCA1 gene, results from an A to G substitution at nucleotide position 1300. The serine at codon 434 is replaced by glycine, an amino acid with similar properties. This amino acid position is not well conserved in available vertebrate species. In addition, the in silico prediction for this alteration is inconclusive. Since supporting evidence is limited at this time, the clinical significance of this alteration remains unclear.

Literature cited by the submitters: PubMed 25085752 (cited by Myriad Genetics, Inc.).